The following is an entry in ClinVar:

ClinVar aggregate classification (germline): Uncertain significance (1 of 4 stars; one submission).

Conditions:
Inborn genetic diseases. Identifiers: MedGen C0950123, MeSH D030342.

Submission:

Ambry Genetics
Classification: Uncertain significance for Inborn genetic diseases. Last evaluated: 2023-10-26. Review status: criteria provided, single submitter. Criteria: Ambry Variant Classification Scheme 2023. Collection method: clinical testing. Allele origin: germline.
Comment: The p.L2225S variant (also known as c.6674T>C), located in coding exon 39 of the ATR gene, results from a T to C substitution at nucleotide position 6674. The leucine at codon 2225 is replaced by serine, an amino acid with dissimilar properties. This amino acid position is conserved. In addition, this alteration is predicted to be deleterious by in silico analysis. Since supporting evidence is limited at this time, the clinical significance of this alteration remains unclear.

NM_001184.4(ATR):c.6674T>C (p.Leu2225Ser)

Gene: ATR (ATR checkpoint kinase; minus strand). Cytogenetic location: 3q23.
Variant type: single nucleotide variant.
Coding change: c.6674T>C on transcript NM_001184.4 (MANE Select); coding-DNA position 6674, T replaced by C.
Protein change: p.Leu2225Ser; replaces leucine 2225 with serine.
Molecular consequence: missense variant.
Genome position (GRCh38, 1-based): chr3:142,467,947, A>G on the plus strand (T>C on the coding strand, the complement: ATR is on the minus strand). VCF-style: chr3-142467947-A-G. GRCh37 (hg19) VCF-style: chr3-142186789-A-G.
Other names: c.6482T>C, p.Leu2161Ser (NM_001354579.2); short protein forms L2161S, L2225S.
Identifiers: ClinVar variation 3221261 (VCV003221261.1), dbSNP rs2108275799, ClinGen allele CA354803279.